The following is an entry in ClinVar:

ClinVar aggregate classification (germline): Uncertain significance. Review status: criteria provided, multiple submitters, no conflicts (2 of 4 stars). 2 submissions from 2 submitters: Uncertain significance (2). Last evaluated 2025-04-09.

Conditions:
Inborn genetic diseases. Identifiers: MedGen C0950123, MeSH D030342.

Submissions (2):

Ambry Genetics
Classification: Uncertain significance for Inborn genetic diseases. Last evaluated: 2025-04-09. Review status: criteria provided, single submitter. Criteria: Ambry Variant Classification Scheme 2023. Collection method: clinical testing. Allele origin: germline.

Labcorp Genetics (formerly Invitae), Labcorp
Classification: Uncertain significance. Last evaluated: 2022-09-07. Review status: criteria provided, single submitter. Criteria: Invitae Variant Classification Sherloc (09022015). Collection method: clinical testing. Allele origin: germline.
Comment: This sequence change replaces asparagine, which is neutral and polar, with tyrosine, which is neutral and polar, at codon 544 of the MYO7A protein (p.Asn544Tyr). This variant is not present in population databases (gnomAD no frequency). This variant has not been reported in the literature in individuals affected with MYO7A-related conditions. Advanced modeling of protein sequence and biophysical properties (such as structural, functional, and spatial information, amino acid conservation, physicochemical variation, residue mobility, and thermodynamic stability) performed at Invitae indicates that this missense variant is not expected to disrupt MYO7A protein function. In summary, the available evidence is currently insufficient to determine the role of this variant in disease. Therefore, it has been classified as a Variant of Uncertain Significance.

NM_000260.4(MYO7A):c.1630A>T (p.Asn544Tyr)

Gene: MYO7A (myosin VIIA; plus strand). Cytogenetic location: 11q13.5.
Variant type: single nucleotide variant.
Coding change: c.1630A>T on transcript NM_000260.4 (MANE Select); coding-DNA position 1630, A replaced by T.
Protein change: p.Asn544Tyr; replaces asparagine 544 with tyrosine.
Molecular consequence: missense variant.
Genome position (GRCh38, 1-based): chr11:77,162,928, A>T. VCF-style: chr11-77162928-A-T. GRCh37 (hg19) VCF-style: chr11-76873974-A-T.
Other names: c.1630A>T, p.Asn544Tyr (NM_001127180.2); c.1597A>T, p.Asn533Tyr (NM_001369365.1); c.1630A>T (NM_000260.3); short protein forms N544Y, N533Y.
Identifiers: ClinVar variation 2167749 (VCV002167749.2), dbSNP rs975183391, ClinGen allele CA224831797.